The following is an entry in ClinVar:

ClinVar aggregate classification (germline): Pathogenic/Likely pathogenic. Review status: criteria provided, multiple submitters, no conflicts (2 of 4 stars). 3 submissions from 3 submitters: Pathogenic (1); Likely pathogenic (2). Last evaluated 2022-01-20.

Conditions:
Epidermolysis bullosa simplex 5B, with muscular dystrophy (EBS5B). Also called: EPIDERMOLYSIS BULLOSA SIMPLEX AND LIMB-GIRDLE MUSCULAR DYSTROPHY; Epidermolysis bullosa simplex with muscular dystrophy. Identifiers: Orphanet 257, MedGen C2931072, MONDO:0009181, OMIM 226670.
Autosomal recessive limb-girdle muscular dystrophy type 2Q (LGMDR17). Also called: MUSCULAR DYSTROPHY, LIMB-GIRDLE, AUTOSOMAL RECESSIVE 17. Identifiers: Orphanet 254361, MedGen C3150989, MONDO:0013390, OMIM 613723.
Epidermolysis bullosa simplex with nail dystrophy (EBS5D). Identifiers: MedGen C4225309, MONDO:0014661, OMIM 616487.
Epidermolysis bullosa simplex 5C, with pyloric atresia (EBS5C). Also called: PLEC-Related Epidermolysis Bullosa with Pyloric Atresia; Epidermolysis bullosa simplex with pyloric atresia; PLEC1-Related Epidermolysis Bullosa with Pyloric Atresia. Identifiers: Orphanet 158684, MedGen C2677349, MONDO:0012807, OMIM 612138.
Epidermolysis bullosa simplex, Ogna type (EBS5A). Also called: Pidermolysis bullosa simplex 5A, Ogna type; EPIDERMOLYSIS BULLOSA SIMPLEX 5A, OGNA TYPE. Identifiers: Orphanet 79401, MedGen C0432317, MONDO:0007555, OMIM 131950.

Submissions (3):

Labcorp Genetics (formerly Invitae), Labcorp
Classification: Pathogenic for Autosomal recessive limb-girdle muscular dystrophy type 2Q; Epidermolysis bullosa simplex, Ogna type; Epidermolysis bullosa simplex with nail dystrophy; Epidermolysis bullosa simplex 5C, with pyloric atresia; Epidermolysis bullosa simplex 5B, with muscular dystrophy. Last evaluated: 2022-01-20. Review status: criteria provided, single submitter. Criteria: Invitae Variant Classification Sherloc (09022015). Collection method: clinical testing. Allele origin: germline.
Comment: For these reasons, this variant has been classified as Pathogenic. ClinVar contains an entry for this variant (Variation ID: 432065). This variant has not been reported in the literature in individuals affected with PLEC-related conditions. This variant is not present in population databases (gnomAD no frequency). This sequence change creates a premature translational stop signal (p.Gln441*) in the PLEC gene. It is expected to result in an absent or disrupted protein product. Loss-of-function variants in PLEC are known to be pathogenic (PMID: 20301336, 20447487, 21109228, 23289980, 28824526).

Genetics Laboratory, Department of Biology, Semnan University
Classification: Likely pathogenic for Epidermolysis bullosa simplex 5C, with pyloric atresia. Last evaluated: 2019-03-05. Review status: criteria provided, single submitter. Criteria: ACMG Guidelines, 2015. Collection method: research. Allele origin: germline. Inheritance: Autosomal recessive inheritance. Affected: yes. Observed: 1 variant allele, 1 homozygote.
Comment: The identified variant leads to the substitution of Glutamine codon 400 with stop codon in the PLEC gene mRNA. Hence, this substitution could alter the amino acid sequence and could leads to a decreased function or loss of function of mutated protein.

GeneDx
Classification: Likely pathogenic. Last evaluated: 2016-01-26. Review status: criteria provided, single submitter. Criteria: GeneDx Variant Classification (06012015). Collection method: clinical testing. Allele origin: germline. Affected: yes.
Comment: The Q441X variant has not been published as a pathogenic variant, nor has it been reported as a benign variant to our knowledge. It is predicted to cause loss of normal protein function either through protein truncation or nonsense-mediated mRNA decay. The Q441X variant was not observed in approximately 6,300 individuals European and African American ancestry in the NHLBI Exome Sequencing Project, indicating that it is not a common benign variant in these populations. This variant is likely pathogenic; however, the possibility that it is benign cannot be excluded.

Literature cited by the submitters: PubMed 20301336 (cited by Labcorp Genetics (formerly Invitae), Labcorp); PubMed 20447487 (cited by Labcorp Genetics (formerly Invitae), Labcorp); PubMed 21109228 (cited by Labcorp Genetics (formerly Invitae), Labcorp); PubMed 23289980 (cited by Labcorp Genetics (formerly Invitae), Labcorp); PubMed 28824526 (cited by Labcorp Genetics (formerly Invitae), Labcorp); DOI 10.1002/humu.24434 (cited by Genetics Laboratory, Department of Biology, Semnan University).

NM_201384.3(PLEC):c.1240C>T (p.Gln414Ter)

Genes: PLEC (plectin; minus strand), LOC130001334 (ATAC-STARR-seq lymphoblastoid silent region 19628; plus strand). Cytogenetic location: 8q24.3.
Variant type: single nucleotide variant.
Coding change: c.1240C>T on transcript NM_201384.3 (MANE Select); coding-DNA position 1240, C replaced by T.
Protein change: p.Gln414Ter; replaces glutamine 414 with a stop codon.
Molecular consequence: nonsense.
Genome position (GRCh38, 1-based): chr8:143,934,021, G>A on the plus strand (C>T on the coding strand, the complement: PLEC is on the minus strand). VCF-style: chr8-143934021-G-A. GRCh37 (hg19) VCF-style: chr8-145008189-G-A.
Other names: c.1321C>T, p.Gln441Ter (NM_000445.5); c.1198C>T, p.Gln400Ter (NM_201378.4); c.1174C>T, p.Gln392Ter (NM_201379.3); c.1651C>T, p.Gln551Ter (NM_201380.4); c.1144C>T, p.Gln382Ter (NM_201381.3); c.1240C>T, p.Gln414Ter (NM_201382.4); c.1252C>T, p.Gln418Ter (NM_201383.3); short protein forms Q382*, Q392*, Q400*, Q414*, Q418*, Q441*, Q551*.
Identifiers: ClinVar variation 432065 (VCV000432065.8), dbSNP rs1554719990, ClinGen allele CA372583912.